The following is an entry in ClinVar:

ClinVar aggregate classification (germline): Uncertain significance. Review status: criteria provided, multiple submitters, no conflicts (2 of 4 stars). 12 submissions from 12 submitters: Uncertain significance (9). 3 of the submissions do not count toward it. Last evaluated 2026-04-06.

Conditions:
CFTR-related disorder (CFTR-RD). Also called: CFTR-related disorders; CFTR-related condition. Identifiers: MedGen C5924204, MONDO:7770004.
Bronchiectasis with or without elevated sweat chloride 1 (BESC1). Also called: Cystic Fibrosis-Like Syndrome. Identifiers: Orphanet 60033, MedGen C2749757, MONDO:0008887, OMIM 211400.
Hereditary pancreatitis (PCTT). Also called: PRSS1-Related Hereditary Pancreatitis; Hereditary chronic pancreatitis. Identifiers: Orphanet 676, MedGen C0238339, MONDO:0008185, OMIM 167800.
Cystic fibrosis (CF). Also called: MUCOVISCIDOSIS. Identifiers: Orphanet 586, MedGen C0010674, MONDO:0009061, OMIM 219700. Disease mechanism: loss of function.
Congenital bilateral aplasia of vas deferens from CFTR mutation (CBAVD). Identifiers: Orphanet 48, MedGen C0403814, MONDO:0010178, OMIM 277180. Disease mechanism: loss of function.

Allele frequency attached by ClinVar (database versions not stated): gnomAD 0.00002; ESP Exome Variant Server 0.00008; TOPMed 0.00003.
gnomAD v4.1: 25 of 1,605,674 alleles (0.0016%); highest among the groups gnomAD compares: Non-Finnish European, 0.002%; no homozygotes.

Submissions (12):

Women's Health and Genetics/Laboratory Corporation of America, LabCorp
Classification: Uncertain significance. Last evaluated: 2026-04-06. Review status: criteria provided, single submitter. Criteria: LabCorp Variant Classification Summary - May 2015. Collection method: clinical testing. Allele origin: germline.
Comment: Variant summary: c.535C>A has been reported in the literature in patients with CF (n=2) as well as CFTR-related phenotypes such as pancreatitis (n=1) and bronchiectasis (n=1) without strong evidence for or against pathogenicity (e.g. Wong_2001, Casals_2004, Keiles_2006, Schrijver_2005, Saferali_2022). In one CF patient, it was reported in compound heterozygosity with another truncating variant; however, it is not specified whether such zygosity was confirmed by parental testing (Wong_2001/Sickkids db). It has also been reported in the compound heterozygous state together with F508del in an individual who was CF screen-positive with an inconclusive diagnosis as an infant, yet who did not receive a change in diagnosis during a follow-up period of approximately 7 years (Gonska_2021). These data do not allow any conclusion about variant significance. At least two publications report experimental evidence evaluating an impact on protein function. The most pronounced variant effect results in a significantly reduced maturation and iodide transport measured in COS-7 cells at levels not consistent with that for a CF-causing mutation (Caputo_2009, Okiyoneda_2013, Bihler_2024). The following publications have been ascertained in the context of this evaluation (PMID: 38388235, 34740355, 19491324, 15151509, 34814176, 17003641, 23666117, 34996830, 16049310, 15858154, 18556774, 15300780, 11668613). ClinVar contains an entry for this variant (Variation ID: 53993). Based on the evidence outlined above, the variant was classified as uncertain significance.

GeneDx
Classification: Uncertain significance. Last evaluated: 2026-01-26. Review status: criteria provided, single submitter. Criteria: GeneDx Variant Classification Process June 2021. Collection method: clinical testing. Allele origin: germline. Affected: yes.
Comment: Reported previously with a second variant in a patient with cystic fibrosis including pancreatic insufficiency (PMID: 11668613); Also reported as heterozygous with no second variant identified in patients with pancreatitis or bronchiectasis (PMID: 15151509, 28502372); Although published functional studies showed reduced maturation, iodide transport measured in COS-7 cells were inconsistent with this variant being a CF-causing mutation (PMID: 19491324); In silico analysis suggests that this missense variant does not alter protein structure/function; This variant is associated with the following publications: (PMID: 16049310, 15858154, 25087612, 15300780, 15151509, 18556774, 38388235, 36409994, 28502372, 34996830, 19491324, 11668613)

Quest Diagnostics Nichols Institute San Juan Capistrano
Classification: Uncertain significance. Last evaluated: 2025-02-14. Review status: criteria provided, single submitter. Criteria: Quest Diagnostics criteria. Collection method: clinical testing. Allele origin: unknown.

Ambry Genetics
Classification: Uncertain significance for Cystic fibrosis. Last evaluated: 2024-12-30. Review status: criteria provided, single submitter. Criteria: Ambry Variant Classification Scheme 2023. Collection method: clinical testing. Allele origin: germline.
Comment: The p.Q179K variant (also known as c.535C>A), located in coding exon 5 of the CFTR gene, results from a C to A substitution at nucleotide position 535. The glutamine at codon 179 is replaced by lysine, an amino acid with similar properties. In vitro studies have demonstrated that the variant results in reduced CFTR maturation and function (Caputo A et al. J. Pharmacol. Exp. Ther., 2009 Sep;330:783-91; Okiyoneda T et al. Nat Chem Biol, 2013 Jul;9:444-54). However, it remains unknown if the observed reduction is sufficient to cause disease. This amino acid position is highly conserved in available vertebrate species. In addition, this alteration is predicted to be deleterious by in silico analysis. Based on the available evidence, the clinical significance of this variant remains unclear.

Labcorp Genetics (formerly Invitae), Labcorp
Classification: Uncertain significance for Cystic fibrosis. Last evaluated: 2022-10-27. Review status: criteria provided, single submitter. Criteria: Invitae Variant Classification Sherloc (09022015). Collection method: clinical testing. Allele origin: germline.
Comment: This sequence change replaces glutamine, which is neutral and polar, with lysine, which is basic and polar, at codon 179 of the CFTR protein (p.Gln179Lys). This variant is present in population databases (rs367850319, gnomAD 0.002%). This missense change has been observed in individual(s) with clinical features of cystic fibrosis (PMID: 11668613). ClinVar contains an entry for this variant (Variation ID: 53993). Advanced modeling of protein sequence and biophysical properties (such as structural, functional, and spatial information, amino acid conservation, physicochemical variation, residue mobility, and thermodynamic stability) performed at Invitae indicates that this missense variant is not expected to disrupt CFTR protein function. Experimental studies have shown that this missense change affects CFTR function (PMID: 19491324, 23666117). In summary, the available evidence is currently insufficient to determine the role of this variant in disease. Therefore, it has been classified as a Variant of Uncertain Significance.

Johns Hopkins Genomics, Johns Hopkins University
Classification: Uncertain significance for Cystic fibrosis. Last evaluated: 2022-07-23. Review status: criteria provided, single submitter. Criteria: ACMG Guidelines, 2015. Collection method: clinical testing. Allele origin: germline.
Comment: CFTR c.535C>A has been identified in multiple individuals with elevated sweat chloride concentration and features of cystic fibrosis who also have a second CFTR variant, although the phase of these variants is not known. This variant (rs367850319) is rare (<0.1%) in a large population dataset (gnomAD: 4/250702 total alleles; 0.0016%; no homozygotes) and has been reported in ClinVar (Variation ID: 53993). BayPR, an algorithm that uses population data to assign disease liability to variants, predicts that this variant is unlikely to be CF-causing. A single in vitro functional study suggests that this variant is associated with a decrease in CFTR function, but this decrease is not to the level observed with other CF-causing variants in this study. This functional data has not been replicated to our knowledge. The glutamine at this position is evolutionarily conserved across all species assessed. Due to insufficient evidence that this variant is deleterious, we consider the clinical significance of CFTR c.535C>A to be uncertain at this time.

Fulgent Genetics
Classification: Uncertain significance for Hereditary pancreatitis; Bronchiectasis with or without elevated sweat chloride 1; Cystic fibrosis; Congenital bilateral aplasia of vas deferens from CFTR mutation. Last evaluated: 2022-05-12. Review status: criteria provided, single submitter. Criteria: ACMG Guidelines, 2015. Collection method: clinical testing. Allele origin: unknown.

Genome-Nilou Lab
Classification: Uncertain significance for Cystic fibrosis. Last evaluated: 2021-09-05. Review status: criteria provided, single submitter. Criteria: ACMG Guidelines, 2015. Collection method: clinical testing. Allele origin: germline. Affected: no.

ARUP Laboratories, Molecular Genetics and Genomics, ARUP Laboratories
Classification: Uncertain significance. Last evaluated: 2019-09-20. Review status: criteria provided, single submitter. Criteria: ARUP Molecular Germline Variant Investigation Process. Collection method: clinical testing. Allele origin: germline.
Comment: The CFTR c.535C>A; p.Gln179Lys variant (rs367850319) is reported in the literature in individuals affected with cystic fibrosis (CF) or CFTR-related disorders, however, a second variant was not identified in these individuals (Casals 2004, Keiles 2006, Schrijver 2005, Wong 2004). One individual with CF was reported to carry a second pathogenic CFTR variant, but the phase of the two variants was not determined (Wong 2001). This variant is reported in ClinVar (Variation ID: 53993), and is only observed on four alleles in the Genome Aggregation Database, indicating it is not a common polymorphism. The glutamine at codon 179 is highly conserved, and computational analyses (SIFT, PolyPhen-2) predict that this variant is deleterious. In vitro functional analyses demonstrate a maturation defect but partial protein function (Caputo 2009). Due to limited information, the clinical significance of this variant is uncertain at this time. REFERENCES Caputo A et al. Mutation-specific potency and efficacy of cystic fibrosis transmembrane conductance regulator chloride channel potentiators. J Pharmacol Exp Ther. 2009 Sep;330(3):783-91. Casals T et al. Bronchiectasis in adult patients: an expression of heterozygosity for CFTR gene mutations? Clin Genet. 2004 Jun;65(6):490-5. Keiles S and Kammesheidt A. Identification of CFTR, PRSS1, and SPINK1 mutations in 381 patients with pancreatitis. Pancreas. 2006 Oct;33(3):221-7. Schrijver I et al. Diagnostic testing by CFTR gene mutation analysis in a large group of Hispanics: novel mutations and assessment of a population-specific mutation spectrum. J Mol Diagn. 2005 May;7(2):289-99. Wong LJ et al. Improved detection of CFTR mutations in Southern California Hispanic CF patients. Hum Mutat. 2001 Oct;18(4):296-307. Wong LJ and Alper OM. Detection of CFTR mutations using temporal temperature gradient gel electrophoresis. Electrophoresis. 2004 Aug;25(15):2593-601.

Natera, Inc.
Classification: Uncertain significance for CFTR-related disorders. Last evaluated: 2019-03-19. Review status: no assertion criteria provided. Collection method: clinical testing. Allele origin: germline. Not counted in ClinVar's aggregate classification.

Counsyl
Classification: Uncertain significance for Cystic fibrosis. Last evaluated: 2017-12-14. Review status: no assertion criteria provided. Collection method: clinical testing. Allele origin: unknown. Not counted in ClinVar's aggregate classification.

ClinVar Staff, National Center for Biotechnology Information (NCBI)
No classification provided. Condition: CFTR-related disorders. Review status: no classification provided. Collection method: literature only. Allele origin: germline. Affected: yes. Not counted in ClinVar's aggregate classification.

Literature cited by the submitters: PubMed 16049310 (cited by Women's Health and Genetics/Laboratory Corporation of America, LabCorp); PubMed 15858154 (cited by Women's Health and Genetics/Laboratory Corporation of America, LabCorp and Quest Diagnostics Nichols Institute San Juan Capistrano); PubMed 17003641 (cited by Women's Health and Genetics/Laboratory Corporation of America, LabCorp and Quest Diagnostics Nichols Institute San Juan Capistrano); PubMed 15151509 (cited by 4 submitters); PubMed 19491324 (cited by 6 submitters); PubMed 15300780 (cited by 4 submitters); PubMed 11668613 (cited by 6 submitters); PubMed 18556774 (cited by Women's Health and Genetics/Laboratory Corporation of America, LabCorp and Quest Diagnostics Nichols Institute San Juan Capistrano); PubMed 23666117 (cited by 5 submitters); PubMed 34996830 (cited by Women's Health and Genetics/Laboratory Corporation of America, LabCorp); PubMed 34740355 (cited by Women's Health and Genetics/Laboratory Corporation of America, LabCorp); PubMed 34814176 (cited by Women's Health and Genetics/Laboratory Corporation of America, LabCorp); PubMed 38388235 (cited by Women's Health and Genetics/Laboratory Corporation of America, LabCorp and Quest Diagnostics Nichols Institute San Juan Capistrano); PubMed 28502372 (cited by Quest Diagnostics Nichols Institute San Juan Capistrano and Ambry Genetics); PubMed 36409994 (cited by Quest Diagnostics Nichols Institute San Juan Capistrano); PubMed 36834620 (cited by Quest Diagnostics Nichols Institute San Juan Capistrano).

NM_000492.4(CFTR):c.535C>A (p.Gln179Lys)

Gene: CFTR (CF transmembrane conductance regulator; plus strand). Cytogenetic location: 7q31.2.
Variant type: single nucleotide variant.
Coding change: c.535C>A on transcript NM_000492.4 (MANE Select); coding-DNA position 535, C replaced by A.
Protein change: p.Gln179Lys; replaces glutamine 179 with lysine.
Molecular consequence: missense variant.
Genome position (GRCh38, 1-based): chr7:117,534,321, C>A. VCF-style: chr7-117534321-C-A. GRCh37 (hg19) VCF-style: chr7-117174375-C-A.
Other names: short protein forms Q179K.
Identifiers: ClinVar variation 53993 (VCV000053993.29), dbSNP rs367850319, ClinGen allele CA327556.